The following is an entry in ClinVar:

ClinVar aggregate classification (germline): Uncertain significance (1 of 4 stars; one submission).

Allele frequency attached by ClinVar (database versions not stated): gnomAD exomes 0.00001.

Submission:

Labcorp Genetics (formerly Invitae), Labcorp
Classification: Uncertain significance. Last evaluated: 2022-03-29. Review status: criteria provided, single submitter. Criteria: Invitae Variant Classification Sherloc (09022015). Collection method: clinical testing. Allele origin: germline.
Comment: In summary, the available evidence is currently insufficient to determine the role of this variant in disease. Therefore, it has been classified as a Variant of Uncertain Significance. Algorithms developed to predict the effect of missense changes on protein structure and function (SIFT, PolyPhen-2, Align-GVGD) all suggest that this variant is likely to be tolerated. This variant has not been reported in the literature in individuals affected with C11orf70-related conditions. This variant is not present in population databases (gnomAD no frequency). This sequence change replaces valine, which is neutral and non-polar, with isoleucine, which is neutral and non-polar, at codon 256 of the C11orf70 protein (p.Val256Ile).

NM_032930.3(CFAP300):c.766G>A (p.Val256Ile)

Gene: CFAP300 (cilia and flagella associated protein 300; plus strand). Cytogenetic location: 11q22.1.
Variant type: single nucleotide variant.
Coding change: c.766G>A on transcript NM_032930.3 (MANE Select); coding-DNA position 766, G replaced by A.
Protein change: p.Val256Ile; replaces valine 256 with isoleucine.
Molecular consequence: missense variant.
Genome position (GRCh38, 1-based): chr11:102,083,161, G>A. VCF-style: chr11-102083161-G-A. GRCh37 (hg19) VCF-style: chr11-101953892-G-A.
Other names: c.694G>A, p.Val232Ile (NM_001363505.2); short protein forms V232I, V256I.
Identifiers: ClinVar variation 2119267 (VCV002119267.4), dbSNP rs2496363069, ClinGen allele CA382490321.